The following is an entry in ClinVar:

ClinVar aggregate classification (germline): Conflicting classifications of pathogenicity. Review status: criteria provided, conflicting classifications (1 of 4 stars). 2 submissions from 2 submitters: Uncertain significance (1); Likely benign (1). Last evaluated 2026-04-21.

Conditions:
NBAS-related disorder. Also called: NBAS-related condition.

Allele frequency attached by ClinVar (database versions not stated): TOPMed 0.00002; gnomAD 0.00003 and 0.00008; gnomAD exomes 0.00007 and 0.00015; ExAC 0.00018; 1000 Genomes Project 0.00060; 1000 Genomes Project 30x 0.00062.
gnomAD v4.1: 109 of 1,613,636 alleles (0.0068%); highest among the groups gnomAD compares: South Asian, 0.1%; 2 homozygotes.

Submissions (2):

PreventionGenetics, part of Exact Sciences
Classification: Uncertain significance for NBAS-related condition. Last evaluated: 2026-04-21. Review status: criteria provided, single submitter. Criteria: ACMG Guidelines, 2015. Collection method: clinical testing. Allele origin: germline.
Comment: The NBAS c.3560A>G variant is predicted to result in the amino acid substitution p.Asn1187Ser. To our knowledge, this variant has not been reported in the literature. This variant is reported in 0.10% of alleles in individuals of South Asian descent in gnomAD, which may be too frequent to be a primary cause of disease. Although we suspect that this variant may be benign, at this time, the clinical significance of this variant is uncertain due to the absence of conclusive functional and genetic evidence.

Labcorp Genetics (formerly Invitae), Labcorp
Classification: Likely benign. Last evaluated: 2025-11-01. Review status: criteria provided, single submitter. Criteria: Invitae Variant Classification Sherloc (09022015). Collection method: clinical testing. Allele origin: germline.

NM_015909.4(NBAS):c.3560A>G (p.Asn1187Ser)

Gene: NBAS (NBAS subunit of NRZ tethering complex; minus strand). Cytogenetic location: 2p24.3.
Variant type: single nucleotide variant.
Coding change: c.3560A>G on transcript NM_015909.4 (MANE Select); coding-DNA position 3560, A replaced by G.
Protein change: p.Asn1187Ser; replaces asparagine 1187 with serine.
Molecular consequence: missense variant. On other transcripts: non-coding transcript variant (1).
Genome position (GRCh38, 1-based): chr2:15,379,632, T>C on the plus strand (A>G on the coding strand, the complement: NBAS is on the minus strand). VCF-style: chr2-15379632-T-C. GRCh37 (hg19) VCF-style: chr2-15519756-T-C.
Other names: c.3560A>G (NM_015909.3); short protein forms N1187S.
Identifiers: ClinVar variation 1460541 (VCV001460541.9), dbSNP rs578127242, ClinGen allele CA1536000.